The following is an entry in ClinVar:

ClinVar aggregate classification (germline): Uncertain significance (1 of 4 stars; one submission).

gnomAD v4.1: 1 of 1,593,656 alleles (0.000063%); highest among the groups gnomAD compares: Non-Finnish European, 0.000086%; no homozygotes.

Submission:

CeGaT Center for Human Genetics Tuebingen
Classification: Uncertain significance. Last evaluated: 2022-06-01. Review status: criteria provided, single submitter. Criteria: CeGaT Center For Human Genetics Tuebingen Variant Classification Criteria Version 2. Collection method: clinical testing. Allele origin: germline. Affected: yes. Observed: 1 variant allele.
Comment: ETFDH: PM2

NM_004453.4(ETFDH):c.626G>A (p.Gly209Asp)

Gene: ETFDH (electron transfer flavoprotein dehydrogenase; plus strand). Cytogenetic location: 4q32.1.
Variant type: single nucleotide variant.
Coding change: c.626G>A on transcript NM_004453.4 (MANE Select); coding-DNA position 626, G replaced by A.
Protein change: p.Gly209Asp; replaces glycine 209 with aspartic acid.
Molecular consequence: missense variant.
Genome position (GRCh38, 1-based): chr4:158,690,367, G>A. VCF-style: chr4-158690367-G-A. GRCh37 (hg19) VCF-style: chr4-159611519-G-A.
Other names: c.485G>A, p.Gly162Asp (NM_001281737.2); c.443G>A, p.Gly148Asp (NM_001281738.1); short protein forms G148D, G162D, G209D.
Identifiers: ClinVar variation 1695115 (VCV001695115.31), dbSNP rs2150308979, ClinGen allele CA358559940.